The following is an entry in ClinVar:

GRCh38/hg38 22q11.21(chr22:18339130-21151128)x3

Genes: AIFM3 (AIF family member 3; plus strand), ARVCF (ARVCF delta catenin family member; minus strand), C22orf39 (chromosome 22 open reading frame 39; minus strand), CCDC188 (coiled-coil domain containing 188; minus strand), CDC45 (cell division cycle 45; plus strand) and 185 more. Cytogenetic location: 22q11.21.
Variant type: copy number gain.
Change: copy number 3 (three copies instead of two) of chr22:18,339,130-21,151,128 (2.81 Mb, GRCh38 coordinates, 1-based), cytogenetic band 22q11.21.
Identifiers: ClinVar variation 160848 (VCV000160848.1).

ClinVar aggregate classification (germline): Pathogenic (1 of 4 stars; one submission).

Submission:

ISCA site 4
Classification: Pathogenic. Last evaluated: 2011-08-12. Review status: criteria provided, single submitter. Criteria: Kaminsky et al. (Genet Med. 2011). Collection method: clinical testing. Allele origin: unknown. Affected: yes. Observed: 1 variant allele.
Comment: Copy number variation identified through the course of routine clinical cytogenomic testing in postnatal populations. Clinical assertions have been curated as described in Kaminsky et al. 2011.